The following is an entry in ClinVar:

ClinVar aggregate classification (germline): Uncertain significance (1 of 4 stars; one submission).

Conditions:
Dilated cardiomyopathy 1JJ (CMD1JJ). Identifiers: Orphanet 154, MedGen C3808935, MONDO:0014095, OMIM 615235.

Submission:

Labcorp Genetics (formerly Invitae), Labcorp
Classification: Uncertain significance for Dilated cardiomyopathy 1JJ. Last evaluated: 2024-04-22. Review status: criteria provided, single submitter. Criteria: Invitae Variant Classification Sherloc (09022015). Collection method: clinical testing. Allele origin: germline.
Comment: This sequence change replaces valine, which is neutral and non-polar, with isoleucine, which is neutral and non-polar, at codon 10 of the LAMA4 protein (p.Val10Ile). This variant is not present in population databases (gnomAD no frequency). This variant has not been reported in the literature in individuals affected with LAMA4-related conditions. An algorithm developed to predict the effect of missense changes on protein structure and function (PolyPhen-2) suggests that this variant is likely to be tolerated. In summary, the available evidence is currently insufficient to determine the role of this variant in disease. Therefore, it has been classified as a Variant of Uncertain Significance.

NM_001105206.3(LAMA4):c.28G>A (p.Val10Ile)

Genes: LAMA4 (laminin subunit alpha 4; minus strand), LAMA4-AS1 (LAMA4 antisense RNA 1; plus strand). Cytogenetic location: 6q21.
Variant type: single nucleotide variant.
Coding change: c.28G>A on transcript NM_001105206.3 (MANE Select); coding-DNA position 28, G replaced by A.
Protein change: p.Val10Ile; replaces valine 10 with isoleucine.
Molecular consequence: missense variant.
Genome position (GRCh38, 1-based): chr6:112,254,123, C>T on the plus strand (G>A on the coding strand, the complement: LAMA4 is on the minus strand). VCF-style: chr6-112254123-C-T. GRCh37 (hg19) VCF-style: chr6-112575325-C-T.
Other names: c.28G>A, p.Val10Ile (NM_001105207.3, NM_001105208.3, NM_001105209.3 and 1 more transcripts); short protein forms V10I.
Identifiers: ClinVar variation 3650537 (VCV003650537.2).